The following is an entry in ClinVar:

ClinVar aggregate classification (germline): Likely benign. Review status: criteria provided, multiple submitters, no conflicts (2 of 4 stars). 2 submissions from 2 submitters: Likely benign (2). Last evaluated 2026-08-02.

Conditions:
Nephronophthisis 16 (NPHP16). Identifiers: Orphanet 655, MedGen C3809320, MONDO:0014158, OMIM 615382.
ANKS6-related disorder. Also called: ANKS6-related condition.

gnomAD v4.1: 54 of 1,614,166 alleles (0.0033%); highest among the groups gnomAD compares: South Asian, 0.032%; 1 homozygote.

Submissions (2):

PreventionGenetics, part of Exact Sciences
Classification: Likely benign for ANKS6-related condition. Last evaluated: 2026-08-02. Review status: criteria provided, single submitter. Criteria: ACMG Guidelines, 2015. Collection method: clinical testing. Allele origin: germline.
Comment: This variant is classified as likely benign based on ACMG/AMP sequence variant interpretation guidelines (Richards et al. 2015 PMID: 25741868, with internal and published modifications).

Labcorp Genetics (formerly Invitae), Labcorp
Classification: Likely benign for Nephronophthisis 16. Last evaluated: 2025-12-01. Review status: criteria provided, single submitter. Criteria: Invitae Variant Classification Sherloc (09022015). Collection method: clinical testing. Allele origin: germline.

NM_173551.5(ANKS6):c.1602G>A (p.Thr534=)

Gene: ANKS6 (ankyrin repeat and sterile alpha motif domain containing 6; minus strand). Cytogenetic location: 9q22.33.
Variant type: single nucleotide variant.
Coding change: c.1602G>A on transcript NM_173551.5 (MANE Select); coding-DNA position 1602, G replaced by A.
Protein change: p.Thr534=; no amino-acid change (threonine 534 retained).
Molecular consequence: synonymous variant.
Genome position (GRCh38, 1-based): chr9:98,777,420, C>T on the plus strand (G>A on the coding strand, the complement: ANKS6 is on the minus strand). VCF-style: chr9-98777420-C-T. GRCh37 (hg19) VCF-style: chr9-101539702-C-T.
Other names: c.1602G>A (NM_173551.4).
Identifiers: ClinVar variation 3702709 (VCV003702709.3).